The following is an entry in ClinVar:

ClinVar aggregate classification (germline): Uncertain significance (1 of 4 stars; one submission).

Submission:

GeneDx
Classification: Uncertain significance. Last evaluated: 2026-08-06. Review status: criteria provided, single submitter. Criteria: GeneDx Variant Classification Process June 2021. Collection method: clinical testing. Allele origin: germline.
Comment: Not observed at significant frequency in large population cohorts (gnomAD); In silico analysis supports that this missense variant has a deleterious effect on protein structure/function; Has not been previously published as pathogenic or benign to our knowledge

NM_032590.5(KDM2B):c.407G>A (p.Arg136Gln)

Gene: KDM2B (lysine demethylase 2B; minus strand). Cytogenetic location: 12q24.31.
Variant type: single nucleotide variant.
Coding change: c.407G>A on transcript NM_032590.5 (MANE Select); coding-DNA position 407, G replaced by A.
Protein change: p.Arg136Gln; replaces arginine 136 with glutamine.
Molecular consequence: missense variant.
Genome position (GRCh38, 1-based): chr12:121,549,629, C>T on the plus strand (G>A on the coding strand, the complement: KDM2B is on the minus strand). VCF-style: chr12-121549629-C-T. GRCh37 (hg19) VCF-style: chr12-121987534-C-T.
Other names: c.314G>A, p.Arg105Gln (NM_001005366.2); short protein forms R105Q, R136Q.
Identifiers: ClinVar variation 3363216 (VCV003363216.2).
Genomic context (GRCh38, chr12:121,549,629, plus strand): 5'-AACTGGGACATGCTCATCTCCGTGCCCTTCTGGGTGTTCACATCCATCACGTCCACAAGC[C>T]GCCGGCTCCCTGGAGGCAGAAGCCACACACTGGTTGTTCCTGCCGGCTTAAGGCTCCAGA-3'
Protein context (NP_115979.3, residues 126-146): RDVKLLVGSR[Arg136Gln]LVDVMDVNTQ